The following is an entry in ClinVar:

ClinVar aggregate classification (germline): Uncertain significance (1 of 4 stars; one submission).

Conditions:
Hereditary cancer-predisposing syndrome. Also called: Tumor predisposition; Hereditary neoplastic syndrome; Hereditary Cancer Syndrome; Neoplastic Syndromes, Hereditary. Identifiers: Orphanet 140162, MedGen C0027672, MeSH D009386, MONDO:0015356.

Submission:

Labcorp Genetics (formerly Invitae), Labcorp
Classification: Uncertain significance for Hereditary cancer-predisposing syndrome. Last evaluated: 2023-10-29. Review status: criteria provided, single submitter. Criteria: Invitae Variant Classification Sherloc (09022015). Collection method: clinical testing. Allele origin: germline.
Comment: This sequence change replaces glutamic acid, which is acidic and polar, with lysine, which is basic and polar, at codon 647 of the RAD50 protein (p.Glu647Lys). This variant is not present in population databases (gnomAD no frequency). This variant has not been reported in the literature in individuals affected with RAD50-related conditions. Advanced modeling of protein sequence and biophysical properties (such as structural, functional, and spatial information, amino acid conservation, physicochemical variation, residue mobility, and thermodynamic stability) performed at Invitae indicates that this missense variant is not expected to disrupt RAD50 protein function with a negative predictive value of 80%. In summary, the available evidence is currently insufficient to determine the role of this variant in disease. Therefore, it has been classified as a Variant of Uncertain Significance.

NM_005732.4(RAD50):c.1939G>A (p.Glu647Lys)

Gene: RAD50 (RAD50 double strand break repair protein; plus strand). Cytogenetic location: 5q31.1.
Variant type: single nucleotide variant.
Coding change: c.1939G>A on transcript NM_005732.4 (MANE Select); coding-DNA position 1939, G replaced by A.
Protein change: p.Glu647Lys; replaces glutamic acid 647 with lysine.
Molecular consequence: missense variant.
Genome position (GRCh38, 1-based): chr5:132,595,014, G>A. VCF-style: chr5-132595014-G-A. GRCh37 (hg19) VCF-style: chr5-131930706-G-A.
Other names: short protein forms E647K.
Identifiers: ClinVar variation 2963206 (VCV002963206.3), dbSNP rs2479650171, ClinGen allele CA360948428.
Genomic context (GRCh38, chr5:132,595,014, plus strand): 5'-GACAAGCTGTTTGATGTTTGTGGTAGCCAGGATTTTGAAAGTGATTTAGACAGGCTTAAA[G>A]AGGAAATTGAAAAATCATCAAAACAGCGAGGTAAGTTGTCTACTTTATATTATCAGGATA-3'
Protein context (NP_005723.2, residues 637-657): DFESDLDRLK[Glu647Lys]EIEKSSKQRA